The following is an entry in ClinVar:

NM_001171.6(ABCC6):c.2536del (p.Ala846fs)

Gene: ABCC6 (ATP binding cassette subfamily C member 6; minus strand). Cytogenetic location: 16p13.11.
Variant type: Deletion.
Coding change: c.2536del on transcript NM_001171.6 (MANE Select); coding-DNA position 2536, one base deleted (G; older notation c.2536delG).
Protein change: p.Ala846fs; shifts the reading frame from alanine 846.
Molecular consequence: frameshift variant. On other transcripts: non-coding transcript variant (3).
Genome position (GRCh38, 1-based): chr16:16,177,506, C deleted on the plus strand (G on the coding strand, the reverse complement: ABCC6 is on the minus strand); the first of 5 consecutive C bases (chr16:16,177,506-16,177,510); deleting any one gives the same sequence. VCF-style (leftmost placement, unchanged base first): chr16-16177505-GC-G. GRCh37 (hg19) VCF-style: chr16-16271362-GC-G.
Other names: c.2194del, p.Ala732fs (NM_001351800.1); c.2503del, p.Ala835fs (NM_001440309.1); c.2368del, p.Ala790fs (NM_001440310.1); short protein forms A846fs, A790fs, A732fs, A835fs.
Identifiers: ClinVar variation 4731405 (VCV004731405.1).
Genomic context (GRCh38, chr16:16,177,505, plus strand): 5'-CTAGTACCTCCTTCTCCTCTATCTCCTGGCTGTCTGGCTTGATCCAGAAGACACATGAGG[GC>G]CCCCTTCCTCTGCAGAAGCTCCTGGTAGGAACCCATCTCTGCGATGGCCCCATTTGCCAG-3'

ClinVar aggregate classification (germline): Pathogenic (1 of 4 stars; one submission).

Submission:

Labcorp Genetics (formerly Invitae), Labcorp
Classification: Pathogenic. Last evaluated: 2025-11-18. Review status: criteria provided, single submitter. Criteria: Invitae Variant Classification Sherloc (09022015). Collection method: clinical testing. Allele origin: germline.
Comment: This sequence change creates a premature translational stop signal (p.Ala846Profs*85) in the ABCC6 gene. It is expected to result in an absent or disrupted protein product. Loss-of-function variants in ABCC6 are known to be pathogenic (PMID: 11536079, 17617515). This variant is not present in population databases (gnomAD no frequency). This variant has not been reported in the literature in individuals affected with ABCC6-related conditions. For these reasons, this variant has been classified as Pathogenic.

Literature cited by the submitters: PubMed 11536079; PubMed 17617515.